The following is an entry in ClinVar:

NM_138694.4(PKHD1):c.4744A>G (p.Asn1582Asp)

Genes: PKHD1 (PKHD1 ciliary IPT domain containing fibrocystin/polyductin; minus strand), LOC126859690 (MED14-independent group 3 enhancer GRCh37_chr6:51888848-51890047; plus strand). Cytogenetic location: 6p12.2.
Variant type: single nucleotide variant.
Coding change: c.4744A>G on transcript NM_138694.4 (MANE Select); coding-DNA position 4744, A replaced by G.
Protein change: p.Asn1582Asp; replaces asparagine 1582 with aspartic acid.
Molecular consequence: missense variant.
Genome position (GRCh38, 1-based): chr6:52,025,066, T>C on the plus strand (A>G on the coding strand, the complement: PKHD1 is on the minus strand). VCF-style: chr6-52025066-T-C. GRCh37 (hg19) VCF-style: chr6-51889864-T-C.
Other names: c.4744A>G, p.Asn1582Asp (NM_170724.3); short protein forms N1582D.
Identifiers: ClinVar variation 3683437 (VCV003683437.2).

ClinVar aggregate classification (germline): Uncertain significance (1 of 4 stars; one submission).

Conditions:
Autosomal recessive polycystic kidney disease (ARPKD). Also called: AR polycystic kidney disease. Identifiers: Orphanet 731, Orphanet 8378, MedGen C0085548, MeSH D017044, MONDO:0009889.

gnomAD v4.1: 3 of 1,614,114 alleles (0.00019%); highest among the groups gnomAD compares: Non-Finnish European, 0.00025%; no homozygotes.

Submission:

Labcorp Genetics (formerly Invitae), Labcorp
Classification: Uncertain significance for Autosomal recessive polycystic kidney disease. Last evaluated: 2025-10-03. Review status: criteria provided, single submitter. Criteria: Invitae Variant Classification Sherloc (09022015). Collection method: clinical testing. Allele origin: germline.
Comment: This sequence change replaces asparagine, which is neutral and polar, with aspartic acid, which is acidic and polar, at codon 1582 of the PKHD1 protein (p.Asn1582Asp). This variant is not present in population databases (gnomAD no frequency). This variant has not been reported in the literature in individuals affected with PKHD1-related conditions. ClinVar contains an entry for this variant (Variation ID: 3683437). Invitae Evidence Modeling of protein sequence and biophysical properties (such as structural, functional, and spatial information, amino acid conservation, physicochemical variation, residue mobility, and thermodynamic stability) indicates that this missense variant is not expected to disrupt PKHD1 protein function with a negative predictive value of 95%. In summary, the available evidence is currently insufficient to determine the role of this variant in disease. Therefore, it has been classified as a Variant of Uncertain Significance.